The following is an entry in ClinVar:

NM_000503.6(EYA1):c.1217C>G (p.Thr406Arg)

Gene: EYA1 (EYA transcriptional coactivator and phosphatase 1; minus strand). Cytogenetic location: 8q13.3.
Variant type: single nucleotide variant.
Coding change: c.1217C>G on transcript NM_000503.6 (MANE Select); coding-DNA position 1217, C replaced by G.
Protein change: p.Thr406Arg; replaces threonine 406 with arginine.
Molecular consequence: missense variant.
Genome position (GRCh38, 1-based): chr8:71,216,835, G>C on the plus strand (C>G on the coding strand, the complement: EYA1 is on the minus strand). VCF-style: chr8-71216835-G-C. GRCh37 (hg19) VCF-style: chr8-72129070-G-C.
Other names: c.1199C>G, p.Thr400Arg (NM_001288574.2, NM_172059.5); c.851C>G, p.Thr284Arg (NM_001288575.2); c.1304C>G, p.Thr435Arg (NM_001370333.1); c.1217C>G, p.Thr406Arg (NM_001370334.1, NM_001370335.1, NM_172058.4); c.1196C>G, p.Thr399Arg (NM_001370336.1); c.1118C>G, p.Thr373Arg (NM_001411797.1, NM_172060.4); c.1217C>G (NM_000503.4); short protein forms T284R, T435R, T399R, T400R, T373R, T406R.
Identifiers: ClinVar variation 1954162 (VCV001954162.6), dbSNP rs376251253, ClinGen allele CA179210190.

ClinVar aggregate classification (germline): Uncertain significance. Review status: criteria provided, multiple submitters, no conflicts (2 of 4 stars). 2 submissions from 2 submitters: Uncertain significance (2). Last evaluated 2025-07-06.

Conditions:
Melnick-Fraser syndrome (BOR). Also called: Branchio-oto-renal syndrome; Branchiootorenal syndrome; Branchiootorenal Syndrome (BORS). Identifiers: Orphanet 107, MedGen C0265234, MONDO:0007029.

Allele frequency attached by ClinVar (database versions not stated): TOPMed below 0.00001; ESP Exome Variant Server 0.00008.
gnomAD v4.1: 1 of 1,614,120 alleles (0.000062%); highest among the groups gnomAD compares: African/African-American, 0.0013%; no homozygotes.

Submissions (2):

GeneDx
Classification: Uncertain significance. Last evaluated: 2025-07-06. Review status: criteria provided, single submitter. Criteria: GeneDx Variant Classification Process June 2021. Collection method: clinical testing. Allele origin: germline. Affected: yes.
Comment: Not observed at significant frequency in large population cohorts (gnomAD); In silico analysis supports that this missense variant has a deleterious effect on protein structure/function; Has not been previously published as pathogenic or benign to our knowledge

Labcorp Genetics (formerly Invitae), Labcorp
Classification: Uncertain significance for Melnick-Fraser syndrome. Last evaluated: 2025-06-12. Review status: criteria provided, single submitter. Criteria: Invitae Variant Classification Sherloc (09022015). Collection method: clinical testing. Allele origin: germline.
Comment: This sequence change replaces threonine, which is neutral and polar, with arginine, which is basic and polar, at codon 406 of the EYA1 protein (p.Thr406Arg). This variant is not present in population databases (gnomAD no frequency). This variant has not been reported in the literature in individuals affected with EYA1-related conditions. ClinVar contains an entry for this variant (Variation ID: 1954162). Invitae Evidence Modeling of protein sequence and biophysical properties (such as structural, functional, and spatial information, amino acid conservation, physicochemical variation, residue mobility, and thermodynamic stability) indicates that this missense variant is not expected to disrupt EYA1 protein function with a negative predictive value of 80%. In summary, the available evidence is currently insufficient to determine the role of this variant in disease. Therefore, it has been classified as a Variant of Uncertain Significance.